The following is an entry in ClinVar:

NM_000138.5(FBN1):c.1916G>C (p.Cys639Ser)

Gene: FBN1 (fibrillin 1; minus strand). Cytogenetic location: 15q21.1.
Variant type: single nucleotide variant.
Coding change: c.1916G>C on transcript NM_000138.5 (MANE Select); coding-DNA position 1916, G replaced by C.
Protein change: p.Cys639Ser; replaces cysteine 639 with serine.
Molecular consequence: missense variant.
Genome position (GRCh38, 1-based): chr15:48,505,069, C>G on the plus strand (G>C on the coding strand, the complement: FBN1 is on the minus strand). VCF-style: chr15-48505069-C-G. GRCh37 (hg19) VCF-style: chr15-48797266-C-G.
Other names: short protein forms C639S.
Identifiers: ClinVar variation 495566 (VCV000495566.1), dbSNP rs878853676, ClinGen allele CA392339043.

ClinVar aggregate classification (germline): Likely pathogenic (1 of 4 stars; one submission).

Conditions:
Marfan Syndrome/Loeys-Dietz Syndrome/Familial Thoracic Aortic Aneurysms and Dissections. Identifiers: MedGen CN229799.

Submission:

Women's Health and Genetics/Laboratory Corporation of America, LabCorp
Classification: Likely pathogenic for Marfan Syndrome/Loeys-Dietz Syndrome/Familial Thoracic Aortic Aneurysms and Dissections. Last evaluated: 2016-05-24. Review status: criteria provided, single submitter. Criteria: LabCorp Variant Classification Summary - May 2015. Collection method: clinical testing. Allele origin: germline.
Comment: Variant Summary: The FBN1 c.1916G>C (p.Cys639Ser) variant involves a conserved nucleotide and lies in a conserved region within EGF-like #6 domain of the FBN1 protein. Alteration of cysteine in this domain is likely to disrupt disulfide binding, thus affecting secondary or tertiary structure of the protein or possibly impairing fibrillin interactions. In support of the deleterious effect of this variant, 5/5 in silico analyses predict a disease-causing/damaging outcome and the variant is absent in control population from ExAC (0/121408 chromosomes). In addition, another variant at the same codon c.1916G>A (p.Cys639Trp) has been identified in at least 5 patients presenting with either isolated EL or classical MFS (Li, 2014; Howarth, 2007; Robinson, 2012). By applying ACMG rules (PM1, PM2, PM5, PP3, PP4), the variant has been classified as Likely Pathogenic.